The following is an entry in ClinVar:

NM_001035.3(RYR2):c.2822+68dup

Gene: RYR2 (ryanodine receptor 2; plus strand). Cytogenetic location: 1q43.
Variant type: Duplication.
Coding change: c.2822+68dup on transcript NM_001035.3 (MANE Select); 68 bases into the intron after coding-DNA position 2822, one base duplicated (A; older notation c.2822+68dupA).
Molecular consequence: intron variant.
Genome position (GRCh38, 1-based): chr1:237,511,859, A duplicated; the last of 25 consecutive A bases (chr1:237,511,835-237,511,859); duplicating any one gives the same sequence. VCF-style (leftmost placement, unchanged base first): chr1-237511834-G-GA. GRCh37 (hg19) VCF-style: chr1-237675134-G-GA.
Other names: c.2822+68dup (NM_001035.2).
Identifiers: ClinVar variation 1264770 (VCV001264770.3), dbSNP rs71561879, ClinGen allele CA1474929.

ClinVar aggregate classification (germline): Benign. Review status: criteria provided, multiple submitters, no conflicts (2 of 4 stars). 2 submissions from 2 submitters: Benign (2). Last evaluated 2026-09-21.

Submissions (2):

Molecular Diagnostic Laboratory for Inherited Cardiovascular Disease, Montreal Heart Institute
Classification: Benign. Last evaluated: 2026-09-21. Review status: criteria provided, single submitter. Criteria: ACMG Guidelines, 2015. Collection method: clinical testing. Allele origin: germline. Affected: no.
Comment: BA1

GeneDx
Classification: Benign. Last evaluated: 2019-08-11. Review status: criteria provided, single submitter. Criteria: GeneDx Variant Classification Process June 2021. Collection method: clinical testing. Allele origin: germline. Affected: yes.